The following is an entry in ClinVar:

NM_003001.5(SDHC):c.21-17A>G

Gene: SDHC (succinate dehydrogenase complex subunit C; plus strand). Cytogenetic location: 1q23.3.
Variant type: single nucleotide variant.
Coding change: c.21-17A>G on transcript NM_003001.5 (MANE Select); 17 bases into the intron before coding-DNA position 21, A replaced by G.
Molecular consequence: intron variant.
Genome position (GRCh38, 1-based): chr1:161,323,597, A>G. VCF-style: chr1-161323597-A-G. GRCh37 (hg19) VCF-style: chr1-161293387-A-G.
Other names: c.-91-17A>G (NM_001407119.1); c.-209-17A>G (NM_001407120.1); c.21-17A>G (NM_001407115.1, NM_001035511.3, NM_001035512.3 and 2 more transcripts); c.21-4799A>G (NM_001407116.1, NM_001407121.1, NM_001407117.1); c.20+9172A>G (NM_001035513.3).
Identifiers: ClinVar variation 3904638 (VCV003904638.1).
Genomic context (GRCh38, chr1:161,323,597, plus strand): 5'-CCCCTAAAAATAGAGAAGTTGATATACTAAAGTTGATCTCTAAATGTGTATTGATTTTTG[A>G]TTCTCTTATCTTGCAGACACGTTGGTCGTCATTGCCTCCGAGCCCACTTTAGCCCTCAGC-3'

ClinVar aggregate classification (germline): Likely benign (1 of 4 stars; one submission).

Conditions:
Pheochromocytoma/paraganglioma syndrome 3. Also called: GLOMUS TUMORS, FAMILIAL, 3; Paragangliomas 3; SDHC-Related Hereditary Paraganglioma-Pheochromocytoma Syndrome (Paragangliomas 3); SDHC-Related Hereditary Paraganglioma-Pheochromocytoma Syndrome. Identifiers: Orphanet 29072, MedGen C1854336, MONDO:0011544, OMIM 605373.

Submission:

Myriad Genetics, Inc.
Classification: Likely benign for Pheochromocytoma/paraganglioma syndrome 3. Last evaluated: 2025-03-14. Review status: criteria provided, single submitter. Criteria: Myriad Autosomal Dominant, Autosomal Recessive and X-Linked Classification Criteria (2023). Collection method: clinical testing. Allele origin: unknown.
Comment: This variant is considered likely benign. This variant is intronic and is not expected to impact mRNA splicing.